The following is an entry in ClinVar:

NM_000548.5(TSC2):c.1362-20A>G

Gene: TSC2 (TSC complex subunit 2; plus strand). Cytogenetic location: 16p13.3.
Variant type: single nucleotide variant.
Coding change: c.1362-20A>G on transcript NM_000548.5 (MANE Select); 20 bases into the intron before coding-DNA position 1362, A replaced by G.
Molecular consequence: intron variant.
Genome position (GRCh38, 1-based): chr16:2,062,952, A>G. VCF-style: chr16-2062952-A-G. GRCh37 (hg19) VCF-style: chr16-2112953-A-G.
Other names: c.1362-20A>G (NM_001114382.3, NM_021055.3, NM_001370405.1 and 3 more transcripts); c.1251-20A>G (NM_001318827.2); c.762-20A>G (NM_001318831.2); c.1215-20A>G (NM_001318829.2); c.1395-20A>G (NM_001318832.2).
Identifiers: ClinVar variation 2175217 (VCV002175217.5), dbSNP rs1390894171, ClinGen allele CA620373538.

ClinVar aggregate classification (germline): Likely benign. Review status: criteria provided, multiple submitters, no conflicts (2 of 4 stars). 2 submissions from 2 submitters: Likely benign (2). Last evaluated 2025-12-09.

Conditions:
Tuberous sclerosis 2 (TSC2). Identifiers: Orphanet 805, MedGen C1860707, MONDO:0013199, OMIM 613254.

Allele frequency attached by ClinVar (database versions not stated): gnomAD exomes below 0.00001; gnomAD 0.00001.
gnomAD v4.1: 3 of 1,548,236 alleles (0.00019%); highest among the groups gnomAD compares: Non-Finnish European, 0.00017%; no homozygotes.

Submissions (2):

Labcorp Genetics (formerly Invitae), Labcorp
Classification: Likely benign for Tuberous sclerosis 2. Last evaluated: 2025-12-09. Review status: criteria provided, single submitter. Criteria: Invitae Variant Classification Sherloc (09022015). Collection method: clinical testing. Allele origin: germline.

Myriad Genetics, Inc.
Classification: Likely benign for Tuberous sclerosis 2. Last evaluated: 2025-05-14. Review status: criteria provided, single submitter. Criteria: Myriad Autosomal Dominant, Autosomal Recessive and X-Linked Classification Criteria (2023). Collection method: clinical testing. Allele origin: unknown.
Comment: This variant is considered likely benign. This variant is intronic and is not expected to impact mRNA splicing.